The following is an entry in ClinVar:

ClinVar aggregate classification (germline): Likely benign (1 of 4 stars; one submission).

Submission:

CeGaT Center for Human Genetics Tuebingen
Classification: Likely benign. Last evaluated: 2025-06-01. Review status: criteria provided, single submitter. Criteria: CeGaT Center For Human Genetics Tuebingen Variant Classification Criteria Version 2. Collection method: clinical testing. Allele origin: germline. Affected: yes. Observed: 1 variant allele.
Comment: PNMT: BP4, BS2

NM_002686.4(PNMT):c.334C>T (p.Arg112Cys)

Gene: PNMT (phenylethanolamine N-methyltransferase; plus strand). Cytogenetic location: 17q12.
Variant type: single nucleotide variant.
Coding change: c.334C>T on transcript NM_002686.4 (MANE Select); coding-DNA position 334, C replaced by T.
Protein change: p.Arg112Cys; replaces arginine 112 with cysteine.
Molecular consequence: missense variant. On other transcripts: non-coding transcript variant (1).
Genome position (GRCh38, 1-based): chr17:39,669,760, C>T. VCF-style: chr17-39669760-C-T. GRCh37 (hg19) VCF-style: chr17-37826013-C-T.
Other names: short protein forms R112C.
Identifiers: ClinVar variation 3904962 (VCV003904962.10).